The following is an entry in ClinVar:

ClinVar aggregate classification (germline): Benign/Likely benign. Review status: criteria provided, multiple submitters, no conflicts (2 of 4 stars). 16 submissions from 16 submitters: Benign (7); Likely benign (4). 5 of the submissions do not count toward it. Last evaluated 2026-03-01.

Conditions:
LAMA2-related muscular dystrophy (LAMA2-RD). Also called: Laminin alpha 2-related dystrophy. Identifiers: MedGen C5679788, MONDO:0100228.
Congenital muscular dystrophy due to partial LAMA2 deficiency. Identifiers: MedGen C1842898.

Allele frequency attached by ClinVar (database versions not stated): 1000 Genomes Project 0.01018; 1000 Genomes Project 30x 0.01124; gnomAD 0.01924 and 0.01941; TOPMed 0.01930; ESP Exome Variant Server 0.02468.
gnomAD v4.1: 45,999 of 1,613,708 alleles (2.9%); highest among the groups gnomAD compares: Non-Finnish European, 3.4%; 802 homozygotes.

Submissions (25):

CeGaT Center for Human Genetics Tuebingen
Classification: Benign. Last evaluated: 2026-03-01. Review status: criteria provided, single submitter. Criteria: CeGaT Center For Human Genetics Tuebingen Variant Classification Criteria Version 2. Collection method: clinical testing. Allele origin: germline. Affected: yes. Observed: 56 variant alleles.
Comment: LAMA2: BP4, BS1, BS2

Labcorp Genetics (formerly Invitae), Labcorp
Classification: Benign for LAMA2-related muscular dystrophy. Last evaluated: 2026-02-04. Review status: criteria provided, single submitter. Criteria: Invitae Variant Classification Sherloc (09022015). Collection method: clinical testing. Allele origin: germline.

Athena Diagnostics
Classification: Benign. Last evaluated: 2025-09-29. Review status: criteria provided, single submitter. Criteria: Athena Diagnostics Criteria. Collection method: clinical testing. Allele origin: unknown.
Comment: The frequency of this variant in the general population is higher than would generally be expected for pathogenic variants in this gene.

Blueprint Genetics
Classification: Likely benign. Last evaluated: 2024-11-25. Review status: criteria provided, single submitter. Criteria: ACMG Guidelines, 2015. Collection method: clinical testing. Allele origin: germline.

Women's Health and Genetics/Laboratory Corporation of America, LabCorp
Classification: Likely benign. Last evaluated: 2021-12-10. Review status: criteria provided, single submitter. Criteria: LabCorp Variant Classification Summary - May 2015. Collection method: clinical testing. Allele origin: germline.

Mayo Clinic Laboratories, Mayo Clinic
Classification: Benign. Last evaluated: 2018-06-28. Review status: criteria provided, single submitter. Criteria: ACMG Guidelines, 2015. Collection method: clinical testing. Allele origin: germline. Observed: 159 variant alleles.

Illumina Laboratory Services, Illumina
Classification: Likely benign for Congenital muscular dystrophy due to partial LAMA2 deficiency. Last evaluated: 2017-04-27. Review status: criteria provided, single submitter. Criteria: ICSL Variant Classification Criteria 13 December 2019. Collection method: clinical testing. Allele origin: germline.
Comment: This variant was observed as part of a predisposition screen in an ostensibly healthy population. A literature search was performed for the gene, cDNA change, and amino acid change (where applicable). Publications were found based on this search. The evidence from the literature, in combination with allele frequency data from public databases where available, was sufficient to determine this variant is unlikely to cause disease. Therefore, this variant is classified as likely benign.

GeneDx
Classification: Benign. Last evaluated: 2016-02-08. Review status: criteria provided, single submitter. Criteria: GeneDx Variant Classification (06012015). Collection method: clinical testing. Allele origin: germline. Affected: yes.
Comment: This variant is considered likely benign or benign based on one or more of the following criteria: it is a conservative change, it occurs at a poorly conserved position in the protein, it is predicted to be benign by multiple in silico algorithms, and/or has population frequency not consistent with disease.

Eurofins Ntd Llc (ga)
Classification: Benign. Last evaluated: 2012-11-02. Review status: criteria provided, single submitter. Criteria: EGL Classification Definitions 2015. Collection method: clinical testing. Allele origin: germline. Observed: 3 variant alleles, 2 heterozygotes, 1 homozygote.

Breakthrough Genomics
Classification: Likely benign. Review status: criteria provided, single submitter. Criteria: ACMG Guidelines, 2015. Collection method: not provided. Allele origin: germline. Inheritance: Autosomal recessive inheritance. Affected: yes.

PreventionGenetics, part of Exact Sciences
Classification: Benign. Review status: criteria provided, single submitter. Criteria: ACMG Guidelines, 2015. Collection method: clinical testing. Allele origin: germline.

Clinical Genetics, Academic Medical Center
Classification: Likely benign. Review status: no assertion criteria provided. Collection method: clinical testing. Allele origin: germline. Affected: yes. Study: VKGL Data-share Consensus. Not counted in ClinVar's aggregate classification.

Dr. Peter K. Rogan Lab, Western University
No classification provided (evidence only). Condition: Lung cancer. Review status: no classification provided. Collection method: in vitro. Allele origin: not applicable. Functional consequence: retained intron. Not counted in ClinVar's aggregate classification.

Dr. Peter K. Rogan Lab, Western University
No classification provided (evidence only). Condition: Lung cancer. Review status: no classification provided. Collection method: in vitro. Allele origin: not applicable. Functional consequence: retained intron. Not counted in ClinVar's aggregate classification.

Dr. Peter K. Rogan Lab, Western University
No classification provided (evidence only). Condition: Cervical cancer. Review status: no classification provided. Collection method: in vitro. Allele origin: not applicable. Functional consequence: retained intron. Not counted in ClinVar's aggregate classification.

Dr. Peter K. Rogan Lab, Western University
No classification provided (evidence only). Condition: Cervical cancer. Review status: no classification provided. Collection method: in vitro. Allele origin: not applicable. Functional consequence: retained intron. Not counted in ClinVar's aggregate classification.

Dr. Peter K. Rogan Lab, Western University
No classification provided (evidence only). Condition: Sarcoma. Review status: no classification provided. Collection method: in vitro. Allele origin: not applicable. Functional consequence: retained intron. Not counted in ClinVar's aggregate classification.

Dr. Peter K. Rogan Lab, Western University
No classification provided (evidence only). Condition: Gastric cancer. Review status: no classification provided. Collection method: in vitro. Allele origin: not applicable. Functional consequence: retained intron. Not counted in ClinVar's aggregate classification.

Dr. Peter K. Rogan Lab, Western University
No classification provided (evidence only). Condition: Adrenocortical carcinoma, hereditary. Review status: no classification provided. Collection method: in vitro. Allele origin: not applicable. Functional consequence: retained intron. Not counted in ClinVar's aggregate classification.

Dr. Peter K. Rogan Lab, Western University
No classification provided (evidence only). Condition: Uterine carcinosarcoma. Review status: no classification provided. Collection method: in vitro. Allele origin: not applicable. Functional consequence: retained intron. Not counted in ClinVar's aggregate classification.

Dr. Peter K. Rogan Lab, Western University
No classification provided (evidence only). Condition: Uterine carcinosarcoma. Review status: no classification provided. Collection method: in vitro. Allele origin: not applicable. Functional consequence: retained intron. Not counted in ClinVar's aggregate classification.

Genetic Services Laboratory, University of Chicago
Classification: Likely benign for AllHighlyPenetrant. Review status: no assertion criteria provided. Collection method: clinical testing. Allele origin: germline. Inheritance: Autosomal recessive inheritance. Not counted in ClinVar's aggregate classification.
Comment: Likely benign based on allele frequency in 1000 Genomes Project or ESP global frequency and its presence in a patient with a rare or unrelated disease phenotype. NOT Sanger confirmed.

Genome Diagnostics Laboratory, University Medical Center Utrecht
Classification: Benign. Review status: no assertion criteria provided. Collection method: clinical testing. Allele origin: germline. Affected: yes. Study: VKGL Data-share Consensus. Not counted in ClinVar's aggregate classification.

Joint Genome Diagnostic Labs from Nijmegen and Maastricht, Radboudumc and MUMC+
Classification: Likely benign. Review status: no assertion criteria provided. Collection method: clinical testing. Allele origin: germline. Affected: yes. Study: VKGL Data-share Consensus. Not counted in ClinVar's aggregate classification.

Laboratory of Diagnostic Genome Analysis, Leiden University Medical Center (LUMC)
Classification: Likely benign. Review status: no assertion criteria provided. Collection method: clinical testing. Allele origin: germline. Affected: yes. Study: VKGL Data-share Consensus. Not counted in ClinVar's aggregate classification.

Literature cited by the submitters: PubMed 12552556 (cited by Athena Diagnostics and Illumina Laboratory Services, Illumina); PubMed 24225367 (cited by Athena Diagnostics); PubMed 20981092 (cited by Athena Diagnostics); PubMed 27884173 (cited by Athena Diagnostics); PubMed 21228398 (cited by Athena Diagnostics); PubMed 22995991 (cited by Athena Diagnostics); PubMed 35924034 (cited by Athena Diagnostics).

NM_000426.4(LAMA2):c.4750G>A (p.Gly1584Ser)

Gene: LAMA2 (laminin subunit alpha 2; plus strand). Cytogenetic location: 6q22.33.
Variant type: single nucleotide variant.
Coding change: c.4750G>A on transcript NM_000426.4 (MANE Select); coding-DNA position 4750, G replaced by A.
Protein change: p.Gly1584Ser; replaces glycine 1584 with serine.
Molecular consequence: missense variant.
Genome position (GRCh38, 1-based): chr6:129,366,251, G>A. VCF-style: chr6-129366251-G-A. GRCh37 (hg19) VCF-style: chr6-129687396-G-A.
Other names: c.4750G>A, p.Gly1584Ser (NM_001079823.2); short protein forms G1584S.
Identifiers: ClinVar variation 92962 (VCV000092962.64), dbSNP rs117781224, ClinGen allele CA146127.